The following is an entry in ClinVar:

ClinVar aggregate classification (germline): Uncertain significance. Review status: criteria provided, multiple submitters, no conflicts (2 of 4 stars). 2 submissions from 2 submitters: Uncertain significance (2). Last evaluated 2024-10-12.

Allele frequency attached by ClinVar (database versions not stated): gnomAD exomes below 0.00001; TOPMed below 0.00001.

Submissions (2):

Ambry Genetics
Classification: Uncertain significance. Last evaluated: 2024-10-12. Review status: criteria provided, single submitter. Criteria: Ambry Variant Classification Scheme 2023. Collection method: clinical testing. Allele origin: germline.
Comment: The p.R41K variant (also known as c.122G>A), located in coding exon 3 of the RPS20 gene, results from a G to A substitution at nucleotide position 122. The arginine at codon 41 is replaced by lysine, an amino acid with highly similar properties. This amino acid position is conserved. In addition, the in silico prediction for this alteration is inconclusive. Since supporting evidence is limited at this time, the clinical significance of this alteration remains unclear.

Labcorp Genetics (formerly Invitae), Labcorp
Classification: Uncertain significance. Last evaluated: 2022-05-10. Review status: criteria provided, single submitter. Criteria: Invitae Variant Classification Sherloc (09022015). Collection method: clinical testing. Allele origin: germline.
Comment: This sequence change replaces arginine, which is basic and polar, with lysine, which is basic and polar, at codon 41 of the RPS20 protein (p.Arg41Lys). This variant is not present in population databases (gnomAD no frequency). This variant has not been reported in the literature in individuals affected with RPS20-related conditions. Algorithms developed to predict the effect of missense changes on protein structure and function (SIFT, PolyPhen-2, Align-GVGD) all suggest that this variant is likely to be tolerated. In summary, the available evidence is currently insufficient to determine the role of this variant in disease. Therefore, it has been classified as a Variant of Uncertain Significance.

NM_001023.4(RPS20):c.122G>A (p.Arg41Lys)

Gene: RPS20 (ribosomal protein S20; minus strand). Cytogenetic location: 8q12.1.
Variant type: single nucleotide variant.
Coding change: c.122G>A on transcript NM_001023.4 (MANE Select); coding-DNA position 122, G replaced by A.
Protein change: p.Arg41Lys; replaces arginine 41 with lysine.
Molecular consequence: missense variant.
Genome position (GRCh38, 1-based): chr8:56,073,750, C>T on the plus strand (G>A on the coding strand, the complement: RPS20 is on the minus strand). VCF-style: chr8-56073750-C-T. GRCh37 (hg19) VCF-style: chr8-56986309-C-T.
Other names: c.122G>A, p.Arg41Lys (NM_001146227.3); short protein forms R41K.
Identifiers: ClinVar variation 1755227 (VCV001755227.8), dbSNP rs1809837785, ClinGen allele CA371283603.
Genomic context (GRCh38, chr8:56,073,750, plus strand): 5'-TTTACCTTGGTAGGCATTCGAACTGGTCCTTTCACTTTGAGATTCTTTTCTTTTGCGCCT[C>T]TTATCAAGTCAGCACACACTACAGGAAATAAAAGACCTCTCAGTATAATCGAAACAATTA-3'
Protein context (NP_001014.1, residues 31-51): SLEKVCADLI[Arg41Lys]GAKEKNLKVK